The following is an entry in ClinVar:

ClinVar aggregate classification (germline): Conflicting classifications of pathogenicity. Review status: criteria provided, conflicting classifications (1 of 4 stars). 6 submissions from 6 submitters: Uncertain significance (3); Likely benign (3). Last evaluated 2025-11-01.

Conditions:
Emery-Dreifuss muscular dystrophy 4, autosomal dominant (EDMD4). Also called: EMERY-DREIFUSS MUSCULAR DYSTROPHY 4 WITH VARIABLE FEATURES. Identifiers: Orphanet 261, MedGen C2751807, MONDO:0013071, OMIM 612998.
Autosomal recessive ataxia, Beauce type. Also called: Spinocerebellar ataxia, autosomal recessive 8; ATAXIA, RECESSIVE, OF BEAUCE; SYNE1-Related Autosomal Recessive Cerebellar Ataxia; SYNE1 Deficiency. Identifiers: Orphanet 88644, MedGen C1853116, MONDO:0012549, OMIM 610743.
Inborn genetic diseases. Identifiers: MedGen C0950123, MeSH D030342.

Allele frequency attached by ClinVar (database versions not stated): gnomAD exomes 0.00005 and 0.00018; gnomAD 0.00007; ExAC 0.00014; 1000 Genomes Project 0.00020; TOPMed 0.00021; 1000 Genomes Project 30x 0.00047.
gnomAD v4.1: 105 of 1,614,218 alleles (0.0065%); highest among the groups gnomAD compares: Admixed American, 0.073%; 1 homozygote.

Submissions (6):

Labcorp Genetics (formerly Invitae), Labcorp
Classification: Likely benign for Emery-Dreifuss muscular dystrophy 4, autosomal dominant; Autosomal recessive ataxia, Beauce type. Last evaluated: 2025-11-01. Review status: criteria provided, single submitter. Criteria: Invitae Variant Classification Sherloc (09022015). Collection method: clinical testing. Allele origin: germline.

Athena Diagnostics
Classification: Uncertain significance. Last evaluated: 2025-06-05. Review status: criteria provided, single submitter. Criteria: Athena Diagnostics Criteria. Collection method: clinical testing. Allele origin: unknown.
Comment: Available data are insufficient to determine the clinical significance of the variant at this time. The frequency of this variant in the general population is higher than would generally be expected for pathogenic variants in this gene. Computational tools yielded inconclusive predictions regarding the effect of this variant on RNA splicing.

Blueprint Genetics
Classification: Likely benign. Last evaluated: 2024-09-13. Review status: criteria provided, single submitter. Criteria: ACMG Guidelines, 2015. Collection method: clinical testing. Allele origin: germline.

Ambry Genetics
Classification: Uncertain significance for Inborn genetic diseases. Last evaluated: 2021-08-13. Review status: criteria provided, single submitter. Criteria: Ambry Variant Classification Scheme 2023. Collection method: clinical testing. Allele origin: germline.
Comment: The c.17134-6C>T intronic alteration results from a C to T substitution 6 nucleotides before exon 91 (coding exon 90) of the SYNE1 gene. Based on data from gnomAD, the T allele has an overall frequency of 0.02% (44/251412) total alleles studied. The highest observed frequency was 0.1% (10/10078) of Ashkenazi Jewish alleles. This nucleotide position is not well conserved in available vertebrate species. In silico splice site analysis predicts that this alteration will not have any significant effect on splicing. Based on insufficient or conflicting evidence, the clinical significance of this alteration remains unclear.

Eurofins Ntd Llc (ga)
Classification: Uncertain significance. Last evaluated: 2017-10-16. Review status: criteria provided, single submitter. Criteria: EGL Classification Definitions 2015. Collection method: clinical testing. Allele origin: germline. Observed: 1 variant allele, 1 heterozygote.

GeneDx
Classification: Likely benign. Last evaluated: 2017-07-05. Review status: criteria provided, single submitter. Criteria: GeneDx Variant Classification (06012015). Collection method: clinical testing. Allele origin: germline. Affected: yes.
Comment: This variant is considered likely benign or benign based on one or more of the following criteria: it is a conservative change, it occurs at a poorly conserved position in the protein, it is predicted to be benign by multiple in silico algorithms, and/or has population frequency not consistent with disease.

NM_182961.4(SYNE1):c.17347-6C>T

Genes: SYNE1 (spectrin repeat containing nuclear envelope protein 1; minus strand), LOC129997480 (ATAC-STARR-seq lymphoblastoid active region 25287; plus strand). Cytogenetic location: 6q25.2.
Variant type: single nucleotide variant.
Coding change: c.17347-6C>T on transcript NM_182961.4 (MANE Select); 6 bases into the intron before coding-DNA position 17347, C replaced by T.
Molecular consequence: intron variant.
Genome position (GRCh38, 1-based): chr6:152,302,069, G>A on the plus strand (C>T on the coding strand, the complement: SYNE1 is on the minus strand). VCF-style: chr6-152302069-G-A. GRCh37 (hg19) VCF-style: chr6-152623204-G-A.
Other names: c.17134-6C>T (NM_033071.5); c.17347-6C>T (NM_182961.2).
Identifiers: ClinVar variation 510611 (VCV000510611.18), dbSNP rs201692248, ClinGen allele CA4055240.